The following is an entry in ClinVar:

NM_018480.7(TMEM126B):c.203+107T>C

Gene: TMEM126B (transmembrane protein 126B; plus strand). Cytogenetic location: 11q14.1.
Variant type: single nucleotide variant.
Coding change: c.203+107T>C on transcript NM_018480.7 (MANE Select); 107 bases into the intron after coding-DNA position 203, T replaced by C.
Molecular consequence: intron variant.
Genome position (GRCh38, 1-based): chr11:85,631,915, T>C. VCF-style: chr11-85631915-T-C. GRCh37 (hg19) VCF-style: chr11-85342959-T-C.
Other names: c.143+107T>C (NM_001193537.3, NM_001350395.2); c.113+107T>C (NM_001256546.2, NM_001193538.3, NM_001350396.2); c.66-2171T>C (NM_001256547.2); c.82-2171T>C (NM_001350393.1); c.203+107T>C (NM_001350394.2).
Identifiers: ClinVar variation 671604 (VCV000671604.2), dbSNP rs10501595, ClinGen allele CA225285366.

ClinVar aggregate classification (germline): Benign. Review status: criteria provided, multiple submitters, no conflicts (2 of 4 stars). 2 submissions from 2 submitters: Benign (2). Last evaluated 2018-06-16.

Allele frequency attached by ClinVar (database versions not stated): gnomAD exomes 0.11241; gnomAD 0.11949 and 0.12736; TOPMed 0.13477; 1000 Genomes Project 30x 0.19894; 1000 Genomes Project 0.20188.
gnomAD v4.1: 138,534 of 1,207,450 alleles (11%); highest among the groups gnomAD compares: East Asian, 28%; 9,997 homozygotes.

Submissions (2):

GeneDx
Classification: Benign. Last evaluated: 2018-06-16. Review status: criteria provided, single submitter. Criteria: GeneDx Variant Classification (06012015). Collection method: clinical testing. Allele origin: germline. Affected: yes.
Comment: This variant is considered likely benign or benign based on one or more of the following criteria: it is a conservative change, it occurs at a poorly conserved position in the protein, it is predicted to be benign by multiple in silico algorithms, and/or has population frequency not consistent with disease.

Breakthrough Genomics
Classification: Benign. Review status: criteria provided, single submitter. Criteria: ACMG Guidelines, 2015. Collection method: not provided. Allele origin: germline. Inheritance: Autosomal recessive inheritance. Affected: yes.